The following is an entry in ClinVar:

NM_001903.5(CTNNA1):c.1054A>G (p.Met352Val)

Gene: CTNNA1 (catenin alpha 1; plus strand). Cytogenetic location: 5q31.2.
Variant type: single nucleotide variant.
Coding change: c.1054A>G on transcript NM_001903.5 (MANE Select); coding-DNA position 1054, A replaced by G.
Protein change: p.Met352Val; replaces methionine 352 with valine.
Molecular consequence: missense variant.
Genome position (GRCh38, 1-based): chr5:138,827,710, A>G. VCF-style: chr5-138827710-A-G. GRCh37 (hg19) VCF-style: chr5-138163399-A-G.
Other names: c.1054A>G, p.Met352Val (NM_001290307.3, NM_001323982.2, NM_001323983.1 and 3 more transcripts); c.745A>G, p.Met249Val (NM_001290309.3); c.685A>G, p.Met229Val (NM_001290310.3); c.1054A>G (NM_001903.2); short protein forms M352V, M229V, M249V.
Identifiers: ClinVar variation 658509 (VCV000658509.12), dbSNP rs1581178714, ClinGen allele CA361131321.

ClinVar aggregate classification (germline): Uncertain significance. Review status: criteria provided, multiple submitters, no conflicts (2 of 4 stars). 3 submissions from 3 submitters: Uncertain significance (3). Last evaluated 2026-08-06.

Conditions:
Patterned macular dystrophy 2. Identifiers: Orphanet 99001, MedGen C1837029, MONDO:0012162, OMIM 608970.
Hereditary cancer-predisposing syndrome. Also called: Tumor predisposition; Hereditary neoplastic syndrome; Hereditary Cancer Syndrome; Neoplastic Syndromes, Hereditary. Identifiers: Orphanet 140162, MedGen C0027672, MeSH D009386, MONDO:0015356.

Submissions (3):

OLLIN Analises Genomicas, OLLIN
Classification: Uncertain significance for Patterned macular dystrophy 2. Last evaluated: 2026-08-06. Review status: criteria provided, single submitter. Criteria: ACMG Guidelines 2015 PMID 25741868. Collection method: clinical testing. Allele origin: germline.
Comment: This missense variant, located in exon 7 (of 18), is absent from gnomAD and has not been identified in the literature. However, it has been reported in ClinVar (accession VCV000658509.11). In silico analysis is inconclusive regarding the impact of this variant. According to the currently available evidence, this variant has been classified as uncertain significance (PM2_P).

Labcorp Genetics (formerly Invitae), Labcorp
Classification: Uncertain significance. Last evaluated: 2024-02-17. Review status: criteria provided, single submitter. Criteria: Invitae Variant Classification Sherloc (09022015). Collection method: clinical testing. Allele origin: germline.
Comment: This sequence change replaces methionine, which is neutral and non-polar, with valine, which is neutral and non-polar, at codon 352 of the CTNNA1 protein (p.Met352Val). This variant is not present in population databases (gnomAD no frequency). This variant has not been reported in the literature in individuals affected with CTNNA1-related conditions. ClinVar contains an entry for this variant (Variation ID: 658509). Advanced modeling of protein sequence and biophysical properties (such as structural, functional, and spatial information, amino acid conservation, physicochemical variation, residue mobility, and thermodynamic stability) performed at Invitae indicates that this missense variant is not expected to disrupt CTNNA1 protein function with a negative predictive value of 80%. Algorithms developed to predict the effect of sequence changes on RNA splicing suggest that this variant may create or strengthen a splice site. In summary, the available evidence is currently insufficient to determine the role of this variant in disease. Therefore, it has been classified as a Variant of Uncertain Significance.

Ambry Genetics
Classification: Uncertain significance for Hereditary cancer-predisposing syndrome. Last evaluated: 2023-02-09. Review status: criteria provided, single submitter. Criteria: Ambry Variant Classification Scheme 2023. Collection method: clinical testing. Allele origin: germline.
Comment: The p.M352V variant (also known as c.1054A>G), located in coding exon 6 of the CTNNA1 gene, results from an A to G substitution at nucleotide position 1054. The methionine at codon 352 is replaced by valine, an amino acid with highly similar properties. This amino acid position is highly conserved in available vertebrate species. In addition, the in silico prediction for this alteration is inconclusive. The evidence for this gene-disease relationship is limited; therefore, the clinical significance of this alteration is unclear.